The following is an entry in ClinVar:

NM_014849.5(SV2A):c.918C>T (p.Tyr306=)

Gene: SV2A (synaptic vesicle glycoprotein 2A; minus strand). Cytogenetic location: 1q21.2.
Variant type: single nucleotide variant.
Coding change: c.918C>T on transcript NM_014849.5 (MANE Select); coding-DNA position 918, C replaced by T.
Protein change: p.Tyr306=; no amino-acid change (tyrosine 306 retained).
Molecular consequence: synonymous variant.
Genome position (GRCh38, 1-based): chr1:149,910,863, G>A on the plus strand (C>T on the coding strand, the complement: SV2A is on the minus strand). VCF-style: chr1-149910863-G-A. GRCh37 (hg19) VCF-style: chr1-149882415-G-A.
Other names: c.918C>T, p.Tyr306= (NM_001328674.2, NM_001328675.2).
Identifiers: ClinVar variation 769530 (VCV000769530.12), dbSNP rs137912594, ClinGen allele CA1071143.

ClinVar aggregate classification (germline): Benign/Likely benign. Review status: criteria provided, multiple submitters, no conflicts (2 of 4 stars). 3 submissions from 3 submitters: Benign (2); Likely benign (1). Last evaluated 2025-07-01.

Allele frequency attached by ClinVar (database versions not stated): gnomAD exomes 0.00009 and 0.00024; ExAC 0.00031; gnomAD 0.00092 and 0.00099; 1000 Genomes Project 0.00100; TOPMed 0.00104; 1000 Genomes Project 30x 0.00109; ESP Exome Variant Server 0.00115.

Submissions (3):

CeGaT Center for Human Genetics Tuebingen
Classification: Likely benign. Last evaluated: 2025-07-01. Review status: criteria provided, single submitter. Criteria: CeGaT Center For Human Genetics Tuebingen Variant Classification Criteria Version 2. Collection method: clinical testing. Allele origin: germline. Affected: yes. Observed: 1 variant allele.
Comment: SV2A: BP4, BP7

Labcorp Genetics (formerly Invitae), Labcorp
Classification: Benign. Last evaluated: 2018-01-05. Review status: criteria provided, single submitter. Criteria: Invitae Variant Classification Sherloc (09022015). Collection method: clinical testing. Allele origin: germline.

Breakthrough Genomics
Classification: Benign. Review status: criteria provided, single submitter. Criteria: ACMG Guidelines, 2015. Collection method: not provided. Allele origin: germline. Inheritance: Unknown mechanism. Affected: yes.